The following is an entry in ClinVar:

ClinVar aggregate classification (germline): Uncertain significance (1 of 4 stars; one submission).

Conditions:
Melanoma, cutaneous malignant, susceptibility to, 8. Also called: MELANOMA AND RENAL CELL CARCINOMA, SUSCEPTIBILITY TO; Cutaneous malignant melanoma 8. Identifiers: Orphanet 293822, MedGen C3152204, MONDO:0013759, OMIM 614456.
Tietz syndrome (TADS). Also called: TIETZ ALBINISM-DEAFNESS SYNDROME; ALBINISM-DEAFNESS OF TIETZ; HYPOPIGMENTATION/DEAFNESS OF TIETZ. Identifiers: Orphanet 42665, MedGen C0391816, MONDO:0007077, OMIM 103500.
Waardenburg syndrome type 2A (WS2A). Also called: WAARDENBURG SYNDROME WITHOUT DYSTOPIA CANTHORUM. Identifiers: Orphanet 3440, MedGen C1860339, MONDO:0008671, OMIM 193510.

Submission:

Labcorp Genetics (formerly Invitae), Labcorp
Classification: Uncertain significance for Melanoma, cutaneous malignant, susceptibility to, 8; Waardenburg syndrome type 2A; Tietz syndrome. Last evaluated: 2026-01-19. Review status: criteria provided, single submitter. Criteria: Invitae Variant Classification Sherloc (09022015). Collection method: clinical testing. Allele origin: germline.
Comment: This sequence change replaces leucine, which is neutral and non-polar, with valine, which is neutral and non-polar, at codon 2 of the MITF protein (p.Leu2Val). This variant is not present in population databases (gnomAD no frequency). This variant has not been reported in the literature in individuals affected with MITF-related conditions. An algorithm developed to predict the effect of missense changes on protein structure and function (PolyPhen-2) suggests that this variant is likely to be tolerated. In summary, the available evidence is currently insufficient to determine the role of this variant in disease. Therefore, it has been classified as a Variant of Uncertain Significance.

NM_000248.4(MITF):c.4C>G (p.Leu2Val)

Genes: MITF (melanocyte inducing transcription factor; plus strand), LOC107988030 (MITF-M promoter region; plus strand). Cytogenetic location: 3p13.
Variant type: single nucleotide variant.
Coding change: c.4C>G on transcript NM_000248.4 (MANE Plus Clinical); coding-DNA position 4, C replaced by G.
Protein change: p.Leu2Val; replaces leucine 2 with valine.
Molecular consequence: missense variant. On other transcripts: intron variant (9).
Genome position (GRCh38, 1-based): chr3:69,936,726, C>G. VCF-style: chr3-69936726-C-G. GRCh37 (hg19) VCF-style: chr3-69985877-C-G.
Other names: c.4C>G, p.Leu2Val (NM_001184968.2, NM_198158.3, NM_198178.3); c.304-1096C>G (NM_001354607.2); c.199-1096C>G (NM_001354608.2, NM_001184967.2); c.355-1096C>G (NM_001354604.2, NM_198159.3); c.352-1096C>G (NM_001354605.2, NM_001354606.2, NM_006722.3); c.307-1096C>G (NM_198177.3); short protein forms L2V.
Identifiers: ClinVar variation 4786706 (VCV004786706.1).